The following is an entry in ClinVar:

ClinVar aggregate classification (germline): Likely benign (0 of 4 stars; one submission).

Conditions:
ARID5B-related disorder. Also called: ARID5B-related condition.

Allele frequency attached by ClinVar (database versions not stated): gnomAD 0.00005; ExAC 0.00010; gnomAD exomes 0.00010; TOPMed 0.00010; ESP Exome Variant Server 0.00015.
gnomAD v4.1: 154 of 1,614,088 alleles (0.0095%); highest among the groups gnomAD compares: Admixed American, 0.025%; no homozygotes.

Submission:

PreventionGenetics, part of Exact Sciences
Classification: Likely benign for ARID5B-related condition. Last evaluated: 2023-07-07. Review status: no assertion criteria provided. Collection method: clinical testing. Allele origin: germline.
Comment: This variant is classified as likely benign based on ACMG/AMP sequence variant interpretation guidelines (Richards et al. 2015 PMID: 25741868, with internal and published modifications).

NM_032199.3(ARID5B):c.771A>G (p.Pro257=)

Genes: ARID5B (AT-rich interaction domain 5B; plus strand), LOC126860943 (BRD4-independent group 4 enhancer GRCh37_chr10:63810242-63811441; plus strand). Cytogenetic location: 10q21.2.
Variant type: single nucleotide variant.
Coding change: c.771A>G on transcript NM_032199.3 (MANE Select); coding-DNA position 771, A replaced by G.
Protein change: p.Pro257=; no amino-acid change (proline 257 retained).
Molecular consequence: synonymous variant.
Genome position (GRCh38, 1-based): chr10:62,050,925, A>G. VCF-style: chr10-62050925-A-G. GRCh37 (hg19) VCF-style: chr10-63810684-A-G.
Other names: c.42A>G, p.Pro14= (NM_001244638.2).
Identifiers: ClinVar variation 3055153 (VCV003055153.2), dbSNP rs368575697, ClinGen allele CA5515169.